The following is an entry in ClinVar:

ClinVar aggregate classification (germline): Uncertain significance (1 of 4 stars; one submission).

gnomAD v4.1: 1 of 1,612,420 alleles (0.000062%); highest among the groups gnomAD compares: Non-Finnish European, 0.000085%; no homozygotes.

Submission:

Labcorp Genetics (formerly Invitae), Labcorp
Classification: Uncertain significance. Last evaluated: 2024-06-23. Review status: criteria provided, single submitter. Criteria: Invitae Variant Classification Sherloc (09022015). Collection method: clinical testing. Allele origin: germline.
Comment: This sequence change replaces tyrosine, which is neutral and polar, with cysteine, which is neutral and slightly polar, at codon 129 of the LOX protein (p.Tyr129Cys). This variant is not present in population databases (gnomAD no frequency). This variant has not been reported in the literature in individuals affected with LOX-related conditions. Advanced modeling of protein sequence and biophysical properties (such as structural, functional, and spatial information, amino acid conservation, physicochemical variation, residue mobility, and thermodynamic stability) performed at Invitae indicates that this missense variant is not expected to disrupt LOX protein function with a negative predictive value of 80%. In summary, the available evidence is currently insufficient to determine the role of this variant in disease. Therefore, it has been classified as a Variant of Uncertain Significance.

NM_002317.7(LOX):c.386A>G (p.Tyr129Cys)

Genes: LOX (lysyl oxidase; minus strand), SRFBP1 (serum response factor binding protein 1; plus strand). Cytogenetic location: 5q23.1.
Variant type: single nucleotide variant.
Coding change: c.386A>G on transcript NM_002317.7 (MANE Select); coding-DNA position 386, A replaced by G.
Protein change: p.Tyr129Cys; replaces tyrosine 129 with cysteine.
Molecular consequence: missense variant.
Genome position (GRCh38, 1-based): chr5:122,077,600, T>C on the plus strand (A>G on the coding strand, the complement: LOX is on the minus strand). VCF-style: chr5-122077600-T-C. GRCh37 (hg19) VCF-style: chr5-121413295-T-C.
Other names: short protein forms Y129C.
Identifiers: ClinVar variation 3657451 (VCV003657451.2).